The following is an entry in ClinVar:

NM_033056.4(PCDH15):c.5068A>T (p.Ile1690Phe)

Gene: PCDH15 (protocadherin related 15; minus strand). Cytogenetic location: 10q21.1.
Variant type: single nucleotide variant.
Coding change: c.5068A>T on transcript NM_033056.4 (MANE Plus Clinical); coding-DNA position 5068, A replaced by T.
Protein change: p.Ile1690Phe; replaces isoleucine 1690 with phenylalanine.
Molecular consequence: missense variant. On other transcripts: intron variant (8).
Genome position (GRCh38, 1-based): chr10:53,822,658, T>A on the plus strand (A>T on the coding strand, the complement: PCDH15 is on the minus strand). VCF-style: chr10-53822658-T-A. GRCh37 (hg19) VCF-style: chr10-55582418-T-A.
Other names: c.5089A>T, p.Ile1697Phe (NM_001142763.2); c.5074A>T, p.Ile1692Phe (NM_001142764.2); c.4861A>T, p.Ile1621Phe (NM_001142765.2); c.5059A>T, p.Ile1687Phe (NM_001142766.2); c.4948A>T, p.Ile1650Phe (NM_001142767.2); c.5008A>T, p.Ile1670Phe (NM_001142768.2); c.4999A>T, p.Ile1667Phe (NM_001142773.2); c.5002A>T, p.Ile1668Phe (NM_001354404.2); and 7 more; short protein forms I1621F, I1687F, I1668F, I1670F, I1690F, I1650F, I1667F, I1692F.
Identifiers: ClinVar variation 1429045 (VCV001429045.6), dbSNP rs1375062684, ClinGen allele CA376525944.

ClinVar aggregate classification (germline): Uncertain significance. Review status: criteria provided, multiple submitters, no conflicts (2 of 4 stars). 2 submissions from 2 submitters: Uncertain significance (2). Last evaluated 2024-09-11.

Allele frequency attached by ClinVar (database versions not stated): gnomAD 0.00001; gnomAD exomes below 0.00001; TOPMed 0.00002.
gnomAD v4.1: 2 of 1,613,886 alleles (0.00012%); highest among the groups gnomAD compares: Non-Finnish European, 0.000085%; no homozygotes.

Submissions (2):

GeneDx
Classification: Uncertain significance. Last evaluated: 2024-09-11. Review status: criteria provided, single submitter. Criteria: GeneDx Variant Classification Process June 2021. Collection method: clinical testing. Allele origin: germline. Affected: yes.
Comment: Not observed at significant frequency in large population cohorts (gnomAD); In silico analysis indicates that this missense variant does not alter protein structure/function; Has not been previously published as pathogenic or benign to our knowledge; This variant is associated with the following publications: (PMID: 15537665)

Labcorp Genetics (formerly Invitae), Labcorp
Classification: Uncertain significance. Last evaluated: 2021-08-27. Review status: criteria provided, single submitter. Criteria: Invitae Variant Classification Sherloc (09022015). Collection method: clinical testing. Allele origin: germline.
Comment: This sequence change replaces isoleucine with phenylalanine at codon 1690 of the PCDH15 protein (p.Ile1690Phe). The isoleucine residue is weakly conserved and there is a small physicochemical difference between isoleucine and phenylalanine. This variant is not present in population databases (ExAC no frequency). This variant has not been reported in the literature in individuals affected with PCDH15-related conditions. Algorithms developed to predict the effect of missense changes on protein structure and function (SIFT, PolyPhen-2, Align-GVGD) all suggest that this variant is likely to be tolerated. In summary, the available evidence is currently insufficient to determine the role of this variant in disease. Therefore, it has been classified as a Variant of Uncertain Significance.